The following is an entry in ClinVar:

NM_001357.5(DHX9):c.-23+1G>A

Genes: DHX9 (DExH-box helicase 9; plus strand), DHX9-AS1 (DHX9 antisense RNA 1; minus strand). Cytogenetic location: 1q25.3.
Variant type: single nucleotide variant.
Coding change: c.-23+1G>A on transcript NM_001357.5 (MANE Select); the canonical splice donor site of the intron after 23 bases upstream of the start codon, G replaced by A.
Molecular consequence: splice donor variant. On other transcripts: non-coding transcript variant (1).
Genome position (GRCh38, 1-based): chr1:182,839,457, G>A. VCF-style: chr1-182839457-G-A. GRCh37 (hg19) VCF-style: chr1-182808592-G-A.
Identifiers: ClinVar variation 4851629 (VCV004851629.1).

ClinVar aggregate classification (germline): Uncertain significance (1 of 4 stars; one submission).

Submission:

Greenwood Genetic Center Diagnostic Laboratories, Greenwood Genetic Center
Classification: Uncertain significance. Last evaluated: 2025-01-29. Review status: criteria provided, single submitter. Criteria: ACMG Guidelines, 2015. Collection method: clinical testing. Allele origin: germline.
Comment: PM2